The following is an entry in ClinVar:

NM_001379291.1(BRD4):c.258T>C (p.Pro86=)

Gene: BRD4 (bromodomain containing 4; minus strand). Cytogenetic location: 19p13.12.
Variant type: single nucleotide variant.
Coding change: c.258T>C on transcript NM_001379291.1 (MANE Select); coding-DNA position 258, T replaced by C.
Protein change: p.Pro86=; no amino-acid change (proline 86 retained).
Molecular consequence: synonymous variant.
Genome position (GRCh38, 1-based): chr19:15,272,842, A>G on the plus strand (T>C on the coding strand, the complement: BRD4 is on the minus strand). VCF-style: chr19-15272842-A-G. GRCh37 (hg19) VCF-style: chr19-15383653-A-G.
Other names: c.258T>C, p.Pro86= (NM_001330384.2, NM_001379292.1, NM_014299.3 and 1 more transcripts).
Identifiers: ClinVar variation 4280856 (VCV004280856.7).

ClinVar aggregate classification (germline): Likely benign (1 of 4 stars; one submission).

gnomAD v4.1: 9 of 1,613,916 alleles (0.00056%); highest among the groups gnomAD compares: Non-Finnish European, 0.00068%; no homozygotes.

Submission:

CeGaT Center for Human Genetics Tuebingen
Classification: Likely benign. Last evaluated: 2025-09-01. Review status: criteria provided, single submitter. Criteria: CeGaT Center For Human Genetics Tuebingen Variant Classification Criteria Version 2. Collection method: clinical testing. Allele origin: germline. Affected: yes. Observed: 1 variant allele.
Comment: BRD4: BP4, BP7